The following is an entry in ClinVar:

NM_144687.4(NLRP12):c.651C>T (p.Gly217=)

Gene: NLRP12 (NLR family pyrin domain containing 12; minus strand). Cytogenetic location: 19q13.42.
Variant type: single nucleotide variant.
Coding change: c.651C>T on transcript NM_144687.4 (MANE Select); coding-DNA position 651, C replaced by T.
Protein change: p.Gly217=; no amino-acid change (glycine 217 retained).
Molecular consequence: synonymous variant.
Genome position (GRCh38, 1-based): chr19:53,811,008, G>A on the plus strand (C>T on the coding strand, the complement: NLRP12 is on the minus strand). VCF-style: chr19-53811008-G-A. GRCh37 (hg19) VCF-style: chr19-54314262-G-A.
Other names: c.651C>T, p.Gly217= (NM_001277126.2, NM_001277129.1).
Identifiers: ClinVar variation 3624209 (VCV003624209.2).

ClinVar aggregate classification (germline): Uncertain significance (1 of 4 stars; one submission).

Conditions:
Familial cold autoinflammatory syndrome 2 (FCAS2). Identifiers: Orphanet 247868, MedGen C2673198, MONDO:0012724, OMIM 611762.

gnomAD v4.1: 5 of 1,613,758 alleles (0.00031%); highest among the groups gnomAD compares: African/African-American, 0.0013%; no homozygotes.

Submission:

Labcorp Genetics (formerly Invitae), Labcorp
Classification: Uncertain significance for Familial cold autoinflammatory syndrome 2. Last evaluated: 2024-07-23. Review status: criteria provided, single submitter. Criteria: Invitae Variant Classification Sherloc (09022015). Collection method: clinical testing. Allele origin: germline.
Comment: This sequence change affects codon 217 of the NLRP12 mRNA. It is a 'silent' change, meaning that it does not change the encoded amino acid sequence of the NLRP12 protein. The frequency data for this variant in the population databases is considered unreliable, as metrics indicate poor data quality at this position in the gnomAD database. This variant has not been reported in the literature in individuals affected with NLRP12-related conditions. Algorithms developed to predict the effect of sequence changes on RNA splicing suggest that this variant may create or strengthen a splice site. In summary, the available evidence is currently insufficient to determine the role of this variant in disease. Therefore, it has been classified as a Variant of Uncertain Significance.